The following is an entry in ClinVar:

ClinVar aggregate classification (germline): Likely pathogenic (1 of 4 stars; one submission).

Submission:

Athena Diagnostics
Classification: Likely pathogenic. Last evaluated: 2021-12-23. Review status: criteria provided, single submitter. Criteria: Athena Diagnostics Criteria. Collection method: clinical testing. Allele origin: unknown.
Comment: This variant is expected to result in the loss of a functional protein. The frequency of this variant in the general population is consistent with pathogenicity.

NM_000344.4(SMN1):c.630del (p.Gly211fs)

Gene: SMN1 (survival of motor neuron 1, telomeric). Cytogenetic location: 5q13.2.
Variant type: Deletion.
Coding change: c.630del on transcript NM_000344.4 (MANE Select); coding-DNA position 630, one base deleted.
Protein change: p.Gly211fs; shifts the reading frame from glycine 211.
Molecular consequence: frameshift variant. On other transcripts: intron variant (1).
Genome position: GRCh38 VCF-style: chr5-70944659-CA-C. GRCh37 (hg19) VCF-style: chr5-70240486-CA-C.
Other names: c.630delA, p.Gly211Valfs (NM_000344.3); c.630del, p.Gly211fs (NM_001297715.1); c.628-1406del (NM_022874.2); short protein forms G211fs.
Identifiers: ClinVar variation 1807336 (VCV001807336.1), dbSNP rs1157575099, ClinGen allele CA813583445.